The following is an entry in ClinVar:

NM_001048174.2(MUTYH):c.852G>A (p.Val284=)

Gene: MUTYH (mutY DNA glycosylase; minus strand). Cytogenetic location: 1p34.1.
Variant type: single nucleotide variant.
Coding change: c.852G>A on transcript NM_001048174.2 (MANE Select); coding-DNA position 852, G replaced by A.
Protein change: p.Val284=; no amino-acid change (valine 284 retained).
Molecular consequence: synonymous variant. On other transcripts: non-coding transcript variant (2).
Genome position (GRCh38, 1-based): chr1:45,332,084, C>T on the plus strand (G>A on the coding strand, the complement: MUTYH is on the minus strand). VCF-style: chr1-45332084-C-T. GRCh37 (hg19) VCF-style: chr1-45797756-C-T.
Other names: c.852G>A, p.Val284= (NM_001048171.2, NM_001048173.2, NM_001293195.2); c.855G>A, p.Val285= (NM_001048172.2); c.936G>A, p.Val312= (NM_001128425.2); c.897G>A, p.Val299= (NM_001293190.2); c.885G>A, p.Val295= (NM_001293191.2); c.576G>A, p.Val192= (NM_001293192.2, NM_001293196.2); c.507G>A, p.Val169= (NM_001350650.2, NM_001350651.2); c.927G>A, p.Val309= (NM_012222.3).
Identifiers: ClinVar variation 216524 (VCV000216524.21), dbSNP rs751875215, ClinGen allele CA059733.

ClinVar aggregate classification (germline): Conflicting classifications of pathogenicity. Review status: criteria provided, conflicting classifications (1 of 4 stars). 7 submissions from 7 submitters: Uncertain significance (2); Likely benign (4). 1 of the submissions does not count toward it. Last evaluated 2025-09-09.

Conditions:
MUTYH-related disorder. Also called: MUTYH-related disorders; MUTYH-related condition.
Familial adenomatous polyposis 2. Also called: COLORECTAL ADENOMATOUS POLYPOSIS, AUTOSOMAL RECESSIVE; MYH-associated polyposis; ADENOMAS, MULTIPLE COLORECTAL, AUTOSOMAL RECESSIVE; MUTYH-associated polyposis; FAP type 2; Adenomas, multiple colorectal. Identifiers: Orphanet 220460, Orphanet 247798, MedGen C3272841, MONDO:0012041, OMIM 608456.
Gastric cancer. Also called: Stomach cancer; Malignant tumor of stomach. Identifiers: MedGen C0024623, MeSH D013274, MONDO:0001056, OMIM 613659, HP:0012126.
Hereditary cancer-predisposing syndrome. Also called: Hereditary Cancer Syndrome; Tumor predisposition; Neoplastic Syndromes, Hereditary; Hereditary neoplastic syndrome. Identifiers: Orphanet 140162, MedGen C0027672, MeSH D009386, MONDO:0015356.

Allele frequency attached by ClinVar (database versions not stated): gnomAD exomes 0.00001 and 0.00003; TOPMed 0.00002; ExAC 0.00001.
gnomAD v4.1: 46 of 1,614,212 alleles (0.0028%); highest among the groups gnomAD compares: Middle Eastern, 0.016%; no homozygotes.

Submissions (7):

Labcorp Genetics (formerly Invitae), Labcorp
Classification: Likely benign for Familial adenomatous polyposis 2. Last evaluated: 2025-09-09. Review status: criteria provided, single submitter. Criteria: Invitae Variant Classification Sherloc (09022015). Collection method: clinical testing. Allele origin: germline.

All of Us Research Program, National Institutes of Health
Classification: Likely benign for Familial adenomatous polyposis 2. Last evaluated: 2023-11-20. Review status: criteria provided, single submitter. Criteria: ACMG Guidelines, 2015. Collection method: clinical testing. Allele origin: germline. Inheritance: Autosomal recessive inheritance. Observed: 3 variant alleles, 3 heterozygotes.
Comment: This study involves interpretation of variants in research participants for the purpose of population health screening. Participant phenotype was not available at the time of variant classification. Additional details can be found in publication PMID: 35346344, PMCID: PMC8962531

Department of Pathology and Laboratory Medicine, Sinai Health System
Classification: Uncertain significance for Familial adenomatous polyposis 2; Gastric cancer. Last evaluated: 2023-06-14. Review status: criteria provided, single submitter. Criteria: ACMG Guidelines, 2015. Collection method: clinical testing. Allele origin: germline. Affected: yes.

Sema4
Classification: Uncertain significance for Hereditary cancer-predisposing syndrome. Last evaluated: 2021-08-23. Review status: criteria provided, single submitter. Criteria: Sema4 Curation Guidelines. Collection method: curation. Allele origin: germline.
Comment: The MUTYH c.936G>A (p.V312=) variant has not been reported in the literature to our knowledge. It was observed in 2/251468 chromosomes in the large and broad cohorts of the Genome Aggregation Database (PMID: 32461654) and has been reported in ClinVar (Variation ID: 216524). In silico tools suggest the variant may have an effect on splicing, though these predictions have not been confirmed by functional studies. The evidence is insufficient to meet ACMG/AMP criteria for classifying the variant as benign or pathogenic. Thus, the clinical significance of this variant is currently uncertain.

Color Diagnostics, LLC DBA Color Health
Classification: Likely benign for Hereditary cancer-predisposing syndrome. Last evaluated: 2016-11-29. Review status: criteria provided, single submitter. Criteria: ACMG Guidelines, 2015. Collection method: clinical testing. Allele origin: germline.

Ambry Genetics
Classification: Likely benign for Hereditary cancer-predisposing syndrome. Last evaluated: 2016-02-23. Review status: criteria provided, single submitter. Criteria: Ambry Variant Classification Scheme 2023. Collection method: clinical testing. Allele origin: germline.

PreventionGenetics, part of Exact Sciences
Classification: Likely benign for MUTYH-related condition. Last evaluated: 2020-01-10. Review status: no assertion criteria provided. Collection method: clinical testing. Allele origin: germline. Not counted in ClinVar's aggregate classification.
Comment: This variant is classified as likely benign based on ACMG/AMP sequence variant interpretation guidelines (Richards et al. 2015 PMID: 25741868, with internal and published modifications).